The following is an entry in ClinVar:

NM_000152.5(GAA):c.1629C>G (p.Tyr543Ter)

Gene: GAA (alpha glucosidase; plus strand). Cytogenetic location: 17q25.3.
Variant type: single nucleotide variant.
Coding change: c.1629C>G on transcript NM_000152.5 (MANE Select); coding-DNA position 1629, C replaced by G.
Protein change: p.Tyr543Ter; replaces tyrosine 543 with a stop codon.
Molecular consequence: nonsense.
Genome position (GRCh38, 1-based): chr17:80,111,018, C>G. VCF-style: chr17-80111018-C-G. GRCh37 (hg19) VCF-style: chr17-78084817-C-G.
Other names: c.1629C>G, p.Tyr543Ter (NM_001079803.3, NM_001079804.3, NM_001406741.1 and 1 more transcripts); short protein forms Y543*.
Identifiers: ClinVar variation 4876337 (VCV004876337.1).

ClinVar aggregate classification (germline): Likely pathogenic (1 of 4 stars; one submission).

Conditions:
Glycogen storage disease, type II (IOPD). Also called: Pompe Disease; CARDIOMEGALIA GLYCOGENICA DIFFUSA; GLYCOGENOSIS, GENERALIZED, CARDIAC FORM; GSD II; POMPE DISEASE, INFANTILE-ONSET; GLYCOGEN STORAGE DISEASE II, INFANTILE-ONSET. Identifiers: Orphanet 365, MedGen C0017921, MONDO:0009290, OMIM 232300.

Submission:

Genomenon, Inc
Classification: Likely pathogenic for Glycogen storage disease, type II. Last evaluated: 2026-07-01. Review status: criteria provided, single submitter. Criteria: Genomenon Sequence Variant Interpretation Standards - Updated. Collection method: curation. Allele origin: germline. Affected: no.
Comment: GAA p.Tyr543Ter (c.1629C>G) is a nonsense variant that introduces a premature stop codon at amino acid position 543 and is predicted to result in a truncated or absent protein product. This variant has been reported in the published literature (PMID:30155607;33560568). It is absent or not present at a significant frequency in gnomAD. In conclusion, we classify GAA p.Tyr543Ter (c.1629C>G) as a likely pathogenic variant.

Literature cited by the submitters: PubMed 30155607; PubMed 33560568.